The following is an entry in ClinVar:

NM_001322934.2(NFKB2):c.1826G>A (p.Arg609Gln)

Gene: NFKB2 (nuclear factor kappa B subunit 2; plus strand). Cytogenetic location: 10q24.32.
Variant type: single nucleotide variant.
Coding change: c.1826G>A on transcript NM_001322934.2 (MANE Select); coding-DNA position 1826, G replaced by A.
Protein change: p.Arg609Gln; replaces arginine 609 with glutamine.
Molecular consequence: missense variant.
Genome position (GRCh38, 1-based): chr10:102,400,682, G>A. VCF-style: chr10-102400682-G-A. GRCh37 (hg19) VCF-style: chr10-104160439-G-A.
Other names: c.1826G>A, p.Arg609Gln (NM_001077494.3, NM_001261403.3, NM_001288724.1 and 2 more transcripts); c.1700G>A, p.Arg567Gln (NM_001322935.1); short protein forms R609Q, R567Q.
Identifiers: ClinVar variation 541636 (VCV000541636.41), dbSNP rs200092317, ClinGen allele CA5664906.

ClinVar aggregate classification (germline): Benign/Likely benign. Review status: criteria provided, multiple submitters, no conflicts (2 of 4 stars). 3 submissions from 3 submitters: Benign (2); Likely benign (1). Last evaluated 2026-02-01.

Conditions:
Immunodeficiency, common variable, 10. Also called: DEFICIT IN ANTERIOR PITUITARY FUNCTION AND VARIABLE IMMUNODEFICIENCY; IMMUNODEFICIENCY, COMMON VARIABLE, WITH CENTRAL ADRENAL INSUFFICIENCY. Identifiers: MedGen C3809991, MONDO:0014260, OMIM 615577.

Allele frequency attached by ClinVar (database versions not stated): ESP Exome Variant Server 0.00008; TOPMed 0.00012; 1000 Genomes Project 30x 0.00031; 1000 Genomes Project 0.00040; gnomAD exomes 0.00053 and 0.00108; ExAC 0.00084; gnomAD 0.00142 and 0.00151.

Submissions (3):

CeGaT Center for Human Genetics Tuebingen
Classification: Benign. Last evaluated: 2026-02-01. Review status: criteria provided, single submitter. Criteria: CeGaT Center For Human Genetics Tuebingen Variant Classification Criteria Version 2. Collection method: clinical testing. Allele origin: germline. Affected: yes. Observed: 3 variant alleles.
Comment: NFKB2: BP4, BS1, BS2

Labcorp Genetics (formerly Invitae), Labcorp
Classification: Benign for Immunodeficiency, common variable, 10. Last evaluated: 2025-12-24. Review status: criteria provided, single submitter. Criteria: Invitae Variant Classification Sherloc (09022015). Collection method: clinical testing. Allele origin: germline.

Blueprint Genetics
Classification: Likely benign. Last evaluated: 2024-09-25. Review status: criteria provided, single submitter. Criteria: ACMG Guidelines, 2015. Collection method: clinical testing. Allele origin: germline.